The following is an entry in ClinVar:

NM_015692.5(CPAMD8):c.2609A>G (p.Glu870Gly)

Gene: CPAMD8 (C3 and PZP like alpha-2-macroglobulin domain containing 8; minus strand). Cytogenetic location: 19p13.11.
Variant type: single nucleotide variant.
Coding change: c.2609A>G on transcript NM_015692.5 (MANE Select); coding-DNA position 2609, A replaced by G.
Protein change: p.Glu870Gly; replaces glutamic acid 870 with glycine.
Molecular consequence: missense variant.
Genome position (GRCh38, 1-based): chr19:16,947,127, T>C on the plus strand (A>G on the coding strand, the complement: CPAMD8 is on the minus strand). VCF-style: chr19-16947127-T-C. GRCh37 (hg19) VCF-style: chr19-17057937-T-C.
Other names: short protein forms E870G.
Identifiers: ClinVar variation 3388387 (VCV003388387.15).

ClinVar aggregate classification (germline): Likely benign. Review status: criteria provided, multiple submitters, no conflicts (2 of 4 stars). 2 submissions from 2 submitters: Likely benign (2). Last evaluated 2026-08-01.

gnomAD v4.1: 348 of 1,613,644 alleles (0.022%); highest among the groups gnomAD compares: African/African-American, 0.34%; 1 homozygote.

Submissions (2):

CeGaT Center for Human Genetics Tuebingen
Classification: Likely benign. Last evaluated: 2026-08-01. Review status: criteria provided, single submitter. Criteria: CeGaT Center For Human Genetics Tuebingen Variant Classification Criteria Version 2. Collection method: clinical testing. Allele origin: germline. Affected: yes. Observed: 2 variant alleles.
Comment: CPAMD8: BP4

Labcorp Genetics (formerly Invitae), Labcorp
Classification: Likely benign. Last evaluated: 2025-12-24. Review status: criteria provided, single submitter. Criteria: Invitae Variant Classification Sherloc (09022015). Collection method: clinical testing. Allele origin: germline.